The following is an entry in ClinVar:

NM_001371596.2(MFSD8):c.1213C>T (p.Gln405Ter)

Gene: MFSD8 (major facilitator superfamily domain containing 8; minus strand). Cytogenetic location: 4q28.2.
Variant type: single nucleotide variant.
Coding change: c.1213C>T on transcript NM_001371596.2 (MANE Select); coding-DNA position 1213, C replaced by T.
Protein change: p.Gln405Ter; replaces glutamine 405 with a stop codon.
Molecular consequence: nonsense.
Genome position (GRCh38, 1-based): chr4:127,921,661, G>A on the plus strand (C>T on the coding strand, the complement: MFSD8 is on the minus strand). VCF-style: chr4-127921661-G-A. GRCh37 (hg19) VCF-style: chr4-128842816-G-A.
Other names: c.1012C>T, p.Gln338Ter (NM_001363520.3); c.898C>T, p.Gln300Ter (NM_001363521.3); c.1078C>T, p.Gln360Ter (NM_001371590.2); c.1213C>T, p.Gln405Ter (NM_001371591.2, NM_152778.4); c.1219C>T, p.Gln407Ter (NM_001371592.2); c.1099C>T, p.Gln367Ter (NM_001371593.2); c.1066C>T, p.Gln356Ter (NM_001371594.2); c.931C>T, p.Gln311Ter (NM_001371595.1); and 2 more; short protein forms Q407*, Q311*, Q300*, Q338*, Q356*, Q360*, Q367*, Q405*.
Identifiers: ClinVar variation 802087 (VCV000802087.6), dbSNP rs778875017, ClinGen allele CA358171248.
Genomic context (GRCh38, chr4:127,921,661, plus strand): 5'-GCACAGCTGATGTAAGGAACTGGGCCAGATGAATCACCGGGGTGTAGAGGCACCAGGCTT[G>A]TTCAATCGAGCAACCAGTTGGTCTTTCATTGTCATCTTCCATTGGAGACTTCCAAAGACC-3'

ClinVar aggregate classification (germline): Pathogenic/Likely pathogenic. Review status: criteria provided, multiple submitters, no conflicts (2 of 4 stars). 2 submissions from 2 submitters: Pathogenic (1); Likely pathogenic (1). Last evaluated 2022-08-20.

Conditions:
Neuronal ceroid lipofuscinosis 7 (CLN7). Also called: MFSD8-Related Neuronal Ceroid-Lipofuscinosis. Identifiers: Orphanet 168491, Orphanet 228366, MedGen C1838571, MONDO:0012588, OMIM 610951.

Submissions (2):

Labcorp Genetics (formerly Invitae), Labcorp
Classification: Pathogenic for Neuronal ceroid lipofuscinosis 7. Last evaluated: 2022-08-20. Review status: criteria provided, single submitter. Criteria: Invitae Variant Classification Sherloc (09022015). Collection method: clinical testing. Allele origin: germline.
Comment: This sequence change creates a premature translational stop signal (p.Gln405*) in the MFSD8 gene. It is expected to result in an absent or disrupted protein product. Loss-of-function variants in MFSD8 are known to be pathogenic (PMID: 19177532, 25227500, 28586915). This variant is not present in population databases (gnomAD no frequency). This premature translational stop signal has been observed in individual(s) with MFSD8-related conditions (PMID: 27146152). ClinVar contains an entry for this variant (Variation ID: 802087). For these reasons, this variant has been classified as Pathogenic.

Mendelics
Classification: Likely pathogenic for Neuronal ceroid lipofuscinosis 7. Last evaluated: 2019-05-28. Review status: criteria provided, single submitter. Criteria: Mendelics Assertion Criteria 2017. Collection method: clinical testing. Allele origin: unknown.

Literature cited by the submitters: PubMed 19177532 (cited by Labcorp Genetics (formerly Invitae), Labcorp); PubMed 25227500 (cited by Labcorp Genetics (formerly Invitae), Labcorp); PubMed 28586915 (cited by Labcorp Genetics (formerly Invitae), Labcorp); PubMed 27146152 (cited by Labcorp Genetics (formerly Invitae), Labcorp).